The following is an entry in ClinVar:

ClinVar aggregate classification (germline): Uncertain significance. Review status: criteria provided, multiple submitters, no conflicts (2 of 4 stars). 6 submissions from 6 submitters: Uncertain significance (6). Last evaluated 2025-05-11.

Conditions:
Charcot-Marie-Tooth disease. Also called: Charcot-Marie-Tooth Neuropathy; Charcot-Marie-Tooth Hereditary Neuropathy. Identifiers: Orphanet 166, MedGen C0007959, MONDO:0015626.
Severe early-onset pulmonary alveolar proteinosis due to MARS deficiency. Also called: PULMONARY ALVEOLAR PROTEINOSIS, REUNION ISLAND; Interstitial lung and liver disease. Identifiers: Orphanet 440427, MedGen C4225400, MONDO:0014206, OMIM 615486.
Charcot-Marie-Tooth disease axonal type 2U. Also called: CHARCOT-MARIE-TOOTH NEUROPATHY, TYPE 2U; CHARCOT-MARIE-TOOTH DISEASE, AXONAL, AUTOSOMAL DOMINANT, TYPE 2U. Identifiers: Orphanet 397735, MedGen C4084821, MONDO:0014566, OMIM 616280.

Allele frequency attached by ClinVar (database versions not stated): TOPMed below 0.00001; ExAC 0.00001; gnomAD 0.00001; gnomAD exomes 0.00002.

Submissions (6):

Labcorp Genetics (formerly Invitae), Labcorp
Classification: Uncertain significance for Charcot-Marie-Tooth disease axonal type 2U; Severe early-onset pulmonary alveolar proteinosis due to MARS deficiency. Last evaluated: 2025-05-11. Review status: criteria provided, single submitter. Criteria: Invitae Variant Classification Sherloc (09022015). Collection method: clinical testing. Allele origin: germline.
Comment: This sequence change replaces threonine, which is neutral and polar, with serine, which is neutral and polar, at codon 358 of the MARS protein (p.Thr358Ser). This variant is present in population databases (rs746654999, gnomAD 0.003%). This missense change has been observed in individual(s) with clinical features of Charcot-Marie-Tooth disease (PMID: 32376792). ClinVar contains an entry for this variant (Variation ID: 917034). An algorithm developed to predict the effect of missense changes on protein structure and function (PolyPhen-2) suggests that this variant is likely to be disruptive. In summary, the available evidence is currently insufficient to determine the role of this variant in disease. Therefore, it has been classified as a Variant of Uncertain Significance.

GeneDx
Classification: Uncertain significance. Last evaluated: 2024-08-11. Review status: criteria provided, single submitter. Criteria: GeneDx Variant Classification Process June 2021. Collection method: clinical testing. Allele origin: germline. Affected: yes.
Comment: Reported as a variant of uncertain significance in one individual from a cohort of patients with Charcot-Marie-Tooth disease (PMID: 32376792); In silico analysis supports that this missense variant has a deleterious effect on protein structure/function; This variant is associated with the following publications: (PMID: 32376792)

Women's Health and Genetics/Laboratory Corporation of America, LabCorp
Classification: Uncertain significance. Last evaluated: 2024-06-13. Review status: criteria provided, single submitter. Criteria: LabCorp Variant Classification Summary - May 2015. Collection method: clinical testing. Allele origin: germline.
Comment: Variant summary: MARS1 c.1073C>G (p.Thr358Ser) results in a conservative amino acid change located in the Methioninyl-tRNA synthetase core domain (IPR033911) of the encoded protein sequence. Four of five in-silico tools predict a benign effect of the variant on protein function. The variant allele was found at a frequency of 1e-05 in 1607020 control chromosomes in the gnomAD database (v4.1 dataset). This frequency is not higher than the maximum estimated for a pathogenic variant in MARS1 causing MARS1-Related Disorders, allowing no conclusion about variant significance. c.1073C>G has been reported in the literature in an individual affected with (suspected) MARS1-Related Disorders (Volodarsky_2021). This report does not provide unequivocal conclusions about association of the variant with MARS1-Related Disorders. To our knowledge, no experimental evidence demonstrating an impact on protein function has been reported. The following publication have been ascertained in the context of this evaluation (PMID: 32376792). ClinVar contains an entry for this variant (Variation ID: 917034). Based on the evidence outlined above, the variant was classified as uncertain significance.

Ambry Genetics
Classification: Uncertain significance. Last evaluated: 2021-12-23. Review status: criteria provided, single submitter. Criteria: Ambry Variant Classification Scheme 2023. Collection method: clinical testing. Allele origin: germline.
Comment: The p.T358S variant (also known as c.1073C>G), located in coding exon 9 of the MARS gene, results from a C to G substitution at nucleotide position 1073. The threonine at codon 358 is replaced by serine, an amino acid with similar properties. This amino acid position is highly conserved in available vertebrate species. In addition, this alteration is predicted to be tolerated by in silico analysis. Since supporting evidence is limited at this time, the clinical significance of this alteration remains unclear.

Blueprint Genetics
Classification: Uncertain significance. Last evaluated: 2021-10-15. Review status: criteria provided, single submitter. Criteria: ACMG Guidelines, 2015. Collection method: clinical testing. Allele origin: germline.

Molecular Genetics Laboratory, London Health Sciences Centre
Classification: Uncertain significance for Charcot-Marie-Tooth disease. Review status: criteria provided, single submitter. Criteria: ACMG Guidelines, 2015. Collection method: clinical testing. Allele origin: germline. Affected: yes.

Literature cited by the submitters: PubMed 32376792 (cited by Labcorp Genetics (formerly Invitae), Labcorp and Women's Health and Genetics/Laboratory Corporation of America, LabCorp).

NM_004990.4(MARS1):c.1073C>G (p.Thr358Ser)

Gene: MARS1 (methionyl-tRNA synthetase 1; plus strand). Cytogenetic location: 12q13.3.
Variant type: single nucleotide variant.
Coding change: c.1073C>G on transcript NM_004990.4 (MANE Select); coding-DNA position 1073, C replaced by G.
Protein change: p.Thr358Ser; replaces threonine 358 with serine.
Molecular consequence: missense variant.
Genome position (GRCh38, 1-based): chr12:57,498,605, C>G. VCF-style: chr12-57498605-C-G. GRCh37 (hg19) VCF-style: chr12-57892388-C-G.
Other names: short protein forms T358S.
Identifiers: ClinVar variation 917034 (VCV000917034.10), dbSNP rs746654999, ClinGen allele CA6650397.
Genomic context (GRCh38, chr12:57,498,605, plus strand): 5'-TCATCCATGCTGACATCTACCGCTGGTTTAACATTTCGTTTGATATTTTTGGTCGCACCA[C>G]CACTCCACAGCAGACCAAGTAAGTTTCCTCTAATGAGGCAGAAATGGGGCTTGAAGGCTG-3'
Protein context (NP_004981.2, residues 348-368): NISFDIFGRT[Thr358Ser]TPQQTKITQD